The following is an entry in ClinVar:

NM_138425.4(C12orf57):c.32T>C (p.Leu11Ser)

Gene: C12orf57 (chromosome 12 open reading frame 57; plus strand). Cytogenetic location: 12p13.31.
Variant type: single nucleotide variant.
Coding change: c.32T>C on transcript NM_138425.4 (MANE Select); coding-DNA position 32, T replaced by C.
Protein change: p.Leu11Ser; replaces leucine 11 with serine.
Molecular consequence: missense variant. On other transcripts: 5 prime UTR variant (1), non-coding transcript variant (1), intron variant (1).
Genome position (GRCh38, 1-based): chr12:6,944,153, T>C. VCF-style: chr12-6944153-T-C. GRCh37 (hg19) VCF-style: chr12-7053316-T-C.
Other names: c.32T>C, p.Leu11Ser (NM_001301834.1, NM_001301837.2); c.-170T>C (NM_001301838.2); c.14-323T>C (NM_001301836.2); short protein forms L11S.
Identifiers: ClinVar variation 2103241 (VCV002103241.4), dbSNP rs1417249758, ClinGen allele CA383744188.

ClinVar aggregate classification (germline): Uncertain significance (1 of 4 stars; one submission).

Conditions:
Temtamy syndrome (TEMTYS). Also called: MENTAL RETARDATION WITH OR WITHOUT CRANIOFACIAL DYSMORPHISM, OCULAR COLOBOMA, OR ABNORMAL CORPUS CALLOSUM. Identifiers: Orphanet 1777, MedGen C1857512, MONDO:0009033, OMIM 218340.

Submission:

Labcorp Genetics (formerly Invitae), Labcorp
Classification: Uncertain significance for Temtamy syndrome. Last evaluated: 2022-03-28. Review status: criteria provided, single submitter. Criteria: Invitae Variant Classification Sherloc (09022015). Collection method: clinical testing. Allele origin: germline.
Comment: This sequence change replaces leucine, which is neutral and non-polar, with serine, which is neutral and polar, at codon 11 of the C12orf57 protein (p.Leu11Ser). This variant is not present in population databases (gnomAD no frequency). This variant has not been reported in the literature in individuals affected with C12orf57-related conditions. Algorithms developed to predict the effect of missense changes on protein structure and function are either unavailable or do not agree on the potential impact of this missense change (SIFT: "Deleterious"; PolyPhen-2: "Possibly Damaging"; Align-GVGD: "Class C0"). In summary, the available evidence is currently insufficient to determine the role of this variant in disease. Therefore, it has been classified as a Variant of Uncertain Significance.